The following is an entry in ClinVar:

ClinVar aggregate classification (germline): Uncertain significance (1 of 4 stars; one submission).

Conditions:
Cone-rod dystrophy 20 (CORD20). Identifiers: Orphanet 1872, MedGen C4014856, MONDO:0014427, OMIM 615973.

gnomAD v4.1: 3 of 1,547,808 alleles (0.00019%); highest among the groups gnomAD compares: Non-Finnish European, 0.00026%; no homozygotes.

Submission:

Diagnostics Services (NGS), CSIR - Centre For Cellular And Molecular Biology
Classification: Uncertain significance for Cone-rod dystrophy 20. Last evaluated: 2026-01-21. Review status: criteria provided, single submitter. Criteria: ACMG Guidelines, 2015. Collection method: clinical testing. Allele origin: germline. Affected: yes. Observed: 1 variant allele, 1 homozygote.
Comment: The c.555+3A>G variant is not present in publicly available population databases like 1000 Genomes, EVS, Indian Exome Database or our internal database. The variant is present in the gnomAD database at a low frequency. This variant has neither been published in literature in individuals affected with AMH-related conditions nor reported to the clinical databases like Human Genome Mutation Database (HGMD), ClinVar or OMIM, in any affected individuals. This variant is located near the exon-intron splice junction of the gene (splice distance- 3 bp) and algorithms developed to predict the effect of sequence changes on RNA splicing suggest that this variant can disrupt splicing. In-silico pathogenicity prediction programs like HSF3.1, MutationTaster2021, CADD, etc predicted this variant to be likely deleterious however these predictions were not confirmed by published functional/translational studies.

NM_000479.5(AMH):c.555+3A>G

Gene: AMH (anti-Mullerian hormone; plus strand). Cytogenetic location: 19p13.3.
Variant type: single nucleotide variant.
Coding change: c.555+3A>G on transcript NM_000479.5 (MANE Select); 3 bases into the intron after coding-DNA position 555, A replaced by G.
Molecular consequence: intron variant.
Genome position (GRCh38, 1-based): chr19:2,250,482, A>G. VCF-style: chr19-2250482-A-G. GRCh37 (hg19) VCF-style: chr19-2250481-A-G.
Identifiers: ClinVar variation 4849682 (VCV004849682.1).